The following is an entry in ClinVar:

ClinVar aggregate classification (germline): Pathogenic (1 of 4 stars; one submission).

Allele frequency attached by ClinVar (database versions not stated): gnomAD exomes below 0.00001; ExAC 0.00001; TOPMed 0.00001.
gnomAD v4.1: 1 of 1,591,202 alleles (0.000063%); highest among the groups gnomAD compares: East Asian, 0.0022%; no homozygotes.

Submission:

Labcorp Genetics (formerly Invitae), Labcorp
Classification: Pathogenic. Last evaluated: 2023-10-26. Review status: criteria provided, single submitter. Criteria: Invitae Variant Classification Sherloc (09022015). Collection method: clinical testing. Allele origin: germline.
Comment: This sequence change creates a premature translational stop signal (p.Lys502*) in the KARS gene. It is expected to result in an absent or disrupted protein product. Loss-of-function variants in KARS are known to be pathogenic (PMID: 30252186, 33942428). This variant is present in population databases (rs758199406, gnomAD 0.01%). This variant has not been reported in the literature in individuals affected with KARS-related conditions. For these reasons, this variant has been classified as Pathogenic.

Literature cited by the submitters: PubMed 30252186; PubMed 33942428.

NM_005548.3(KARS1):c.1420A>T (p.Lys474Ter)

Genes: KARS1 (lysyl-tRNA synthetase 1; minus strand), LOC126862402 (CDK7 strongly-dependent group 2 enhancer GRCh37_chr16:75663368-75664567; plus strand). Cytogenetic location: 16q23.1.
Variant type: single nucleotide variant.
Coding change: c.1420A>T on transcript NM_005548.3 (MANE Select); coding-DNA position 1420, A replaced by T.
Protein change: p.Lys474Ter; replaces lysine 474 with a stop codon.
Molecular consequence: nonsense.
Genome position (GRCh38, 1-based): chr16:75,630,427, T>A on the plus strand (A>T on the coding strand, the complement: KARS1 is on the minus strand). VCF-style: chr16-75630427-T-A. GRCh37 (hg19) VCF-style: chr16-75664325-T-A.
Other names: c.1504A>T, p.Lys502Ter (NM_001130089.2); c.952A>T, p.Lys318Ter (NM_001378148.1); short protein forms K318*, K502*, K474*.
Identifiers: ClinVar variation 2868499 (VCV002868499.3), dbSNP rs758199406, ClinGen allele CA8177269.